The following is an entry in ClinVar:

NM_001378778.1(MPDZ):c.4028C>A (p.Thr1343Asn)

Gene: MPDZ (multiple PDZ domain crumbs cell polarity complex component; minus strand). Cytogenetic location: 9p23.
Variant type: single nucleotide variant.
Coding change: c.4028C>A on transcript NM_001378778.1 (MANE Select); coding-DNA position 4028, C replaced by A.
Protein change: p.Thr1343Asn; replaces threonine 1343 with asparagine.
Molecular consequence: missense variant.
Genome position (GRCh38, 1-based): chr9:13,138,129, G>T on the plus strand (C>A on the coding strand, the complement: MPDZ is on the minus strand). VCF-style: chr9-13138129-G-T. GRCh37 (hg19) VCF-style: chr9-13138128-G-T.
Other names: c.3929C>A, p.Thr1310Asn (NM_001261406.2, NM_001261407.2, NM_001375416.1 and 3 more transcripts); c.4028C>A, p.Thr1343Asn (NM_001330637.2, NM_001375413.1, NM_003829.5); c.3818C>A, p.Thr1273Asn (NM_001375420.1, NM_001375421.1, NM_001375422.1 and 4 more transcripts); c.3620C>A, p.Thr1207Asn (NM_001375427.1); short protein forms T1343N, T1207N, T1273N, T1310N.
Identifiers: ClinVar variation 1388243 (VCV001388243.3), dbSNP rs1947114829, ClinGen allele CA372949386.

ClinVar aggregate classification (germline): Uncertain significance (1 of 4 stars; one submission).

Allele frequency attached by ClinVar (database versions not stated): gnomAD exomes below 0.00001; TOPMed below 0.00001.
gnomAD v4.1: 2 of 1,594,582 alleles (0.00013%); highest among the groups gnomAD compares: South Asian, 0.0011%; no homozygotes.

Submission:

Labcorp Genetics (formerly Invitae), Labcorp
Classification: Uncertain significance. Last evaluated: 2022-03-09. Review status: criteria provided, single submitter. Criteria: Invitae Variant Classification Sherloc (09022015). Collection method: clinical testing. Allele origin: germline.
Comment: This sequence change replaces threonine, which is neutral and polar, with asparagine, which is neutral and polar, at codon 1343 of the MPDZ protein (p.Thr1343Asn). This variant is not present in population databases (gnomAD no frequency). This variant has not been reported in the literature in individuals affected with MPDZ-related conditions. Algorithms developed to predict the effect of missense changes on protein structure and function are either unavailable or do not agree on the potential impact of this missense change (SIFT: "Deleterious"; PolyPhen-2: "Benign"; Align-GVGD: "Class C0"). In summary, the available evidence is currently insufficient to determine the role of this variant in disease. Therefore, it has been classified as a Variant of Uncertain Significance.